The following is an entry in ClinVar:

NM_006017.3(PROM1):c.1748A>G (p.Glu583Gly)

Gene: PROM1 (prominin 1; minus strand). Cytogenetic location: 4p15.32.
Variant type: single nucleotide variant.
Coding change: c.1748A>G on transcript NM_006017.3 (MANE Select); coding-DNA position 1748, A replaced by G.
Protein change: p.Glu583Gly; replaces glutamic acid 583 with glycine.
Molecular consequence: missense variant.
Genome position (GRCh38, 1-based): chr4:15,994,006, T>C on the plus strand (A>G on the coding strand, the complement: PROM1 is on the minus strand). VCF-style: chr4-15994006-T-C. GRCh37 (hg19) VCF-style: chr4-15995629-T-C.
Other names: c.1721A>G, p.Glu574Gly (NM_001145847.2, NM_001145848.2, NM_001145851.2 and 4 more transcripts); c.1748A>G, p.Glu583Gly (NM_001145849.2, NM_001145850.2); short protein forms E574G, E583G.
Identifiers: ClinVar variation 2777864 (VCV002777864.3), dbSNP rs1176832823, ClinGen allele CA356431268.

ClinVar aggregate classification (germline): Uncertain significance (1 of 4 stars; one submission).

Allele frequency attached by ClinVar (database versions not stated): TOPMed below 0.00001.

Submission:

Labcorp Genetics (formerly Invitae), Labcorp
Classification: Uncertain significance. Last evaluated: 2023-06-30. Review status: criteria provided, single submitter. Criteria: Invitae Variant Classification Sherloc (09022015). Collection method: clinical testing. Allele origin: germline.
Comment: In summary, the available evidence is currently insufficient to determine the role of this variant in disease. Therefore, it has been classified as a Variant of Uncertain Significance. Advanced modeling of protein sequence and biophysical properties (such as structural, functional, and spatial information, amino acid conservation, physicochemical variation, residue mobility, and thermodynamic stability) has been performed at Invitae for this missense variant, however the output from this modeling did not meet the statistical confidence thresholds required to predict the impact of this variant on PROM1 protein function. This variant has not been reported in the literature in individuals affected with PROM1-related conditions. This variant is not present in population databases (gnomAD no frequency). This sequence change replaces glutamic acid, which is acidic and polar, with glycine, which is neutral and non-polar, at codon 583 of the PROM1 protein (p.Glu583Gly).